The following is an entry in ClinVar:

NM_000138.5(FBN1):c.6683A>G (p.Tyr2228Cys)

Gene: FBN1 (fibrillin 1; minus strand). Cytogenetic location: 15q21.1.
Variant type: single nucleotide variant.
Coding change: c.6683A>G on transcript NM_000138.5 (MANE Select); coding-DNA position 6683, A replaced by G.
Protein change: p.Tyr2228Cys; replaces tyrosine 2228 with cysteine.
Molecular consequence: missense variant.
Genome position (GRCh38, 1-based): chr15:48,432,922, T>C on the plus strand (A>G on the coding strand, the complement: FBN1 is on the minus strand). VCF-style: chr15-48432922-T-C. GRCh37 (hg19) VCF-style: chr15-48725119-T-C.
Other names: short protein forms Y2228C.
Identifiers: ClinVar variation 495638 (VCV000495638.3), dbSNP rs1555394908, ClinGen allele CA392333456.

ClinVar aggregate classification (germline): Uncertain significance. Review status: criteria provided, multiple submitters, no conflicts (2 of 4 stars). 2 submissions from 2 submitters: Uncertain significance (2). Last evaluated 2025-04-29.

Conditions:
Marfan syndrome (MFS). Also called: MARFAN SYNDROME, TYPE I; FBN1-Related Marfan Syndrome; Marfan syndrome type 1; Marfan's syndrome; Marfan syndrome, classic. Identifiers: Orphanet 284963, Orphanet 558, MedGen C0024796, MONDO:0007947, OMIM 154700.
Familial thoracic aortic aneurysm and aortic dissection (TAAD). Also called: Thoracic aortic aneurysms and dissections. Identifiers: Orphanet 91387, MedGen C4707243, MONDO:0019625.

Submissions (2):

Labcorp Genetics (formerly Invitae), Labcorp
Classification: Uncertain significance for Marfan syndrome; Familial thoracic aortic aneurysm and aortic dissection. Last evaluated: 2025-04-29. Review status: criteria provided, single submitter. Criteria: Invitae Variant Classification Sherloc (09022015). Collection method: clinical testing. Allele origin: germline.
Comment: This sequence change replaces tyrosine, which is neutral and polar, with cysteine, which is neutral and slightly polar, at codon 2228 of the FBN1 protein (p.Tyr2228Cys). This variant is not present in population databases (gnomAD no frequency). This variant has not been reported in the literature in individuals affected with FBN1-related conditions. ClinVar contains an entry for this variant (Variation ID: 495638). Invitae Evidence Modeling of protein sequence and biophysical properties (such as structural, functional, and spatial information, amino acid conservation, physicochemical variation, residue mobility, and thermodynamic stability) indicates that this missense variant is expected to disrupt FBN1 protein function with a positive predictive value of 95%. In summary, the available evidence is currently insufficient to determine the role of this variant in disease. Therefore, it has been classified as a Variant of Uncertain Significance.

Women's Health and Genetics/Laboratory Corporation of America, LabCorp
Classification: Uncertain significance. Last evaluated: 2016-08-30. Review status: criteria provided, single submitter. Criteria: LabCorp Variant Classification Summary - May 2015. Collection method: clinical testing. Allele origin: germline.
Comment: Variant summary: The FBN1 c.6683A>G (p.Tyr2228Cys) variant located in the cb EGF-like #34 domain causes a missense change from a Tyrosine to a Cysteine. "The sulfhydryl group of cysteine is unique in its ability to participate in disulfide covalent cross-linkage . In fact, two thirds of fibrillin cysteine residues exist in the half-cystinyl form, suggesting their participation in intramolecular disulfide linkage. The cysteine residues in the EGF-like motif may also be necessary for intermolecular interactions with other fibrillin molecules or with other proteins (Dietz_1992)." Therefore, the addition of a cysteine in this domain could disrupt disulfide binding, effecting secondary or tertiary structure or possibly impairing fibrillin interactions. 3/3 in silico tools predict a damaging outcome for this variant (SNPs&GO not captured due to low reliability index), although these predictions have yet to be functionally assessed. The variant of interest was not observed in controls (ExAC, 1000 Gs, or ESP), nor has it been, to our knowledge, reported in affected individuals via publications and/or reputable databases/clinical laboratories. Therefore, until additional information becomes available, the variant of interest has been classified as a "VUS-possibly pathogenic."